The following continues an entry in ClinVar:

NM_206933.4(USH2A):c.11864G>A (p.Trp3955Ter)

Gene: USH2A. ClinVar aggregate classification (germline): Pathogenic. Pathogenic (34).

Submissions 37 to 43 of 43:

Department of Clinical Genetics, Copenhagen University Hospital, Rigshospitalet
Classification: Pathogenic for Retinitis pigmentosa. Last evaluated: 2018-04-01. Review status: no assertion criteria provided. Collection method: research. Allele origin: unknown. Affected: yes. Study: VeluxRD. Not counted in ClinVar's aggregate classification.

Counsyl
Classification: Pathogenic for Retinitis pigmentosa 39. Last evaluated: 2016-10-27. Review status: no assertion criteria provided. Collection method: clinical testing. Allele origin: unknown. Not counted in ClinVar's aggregate classification.

Centre for Mendelian Genomics, University Medical Centre Ljubljana
Classification: Pathogenic for Congenital sensorineural hearing impairment. Last evaluated: 2016-02-12. Review status: no assertion criteria provided. Collection method: clinical testing. Allele origin: unknown. Affected: yes. Not counted in ClinVar's aggregate classification.

NIHR Bioresource Rare Diseases, University of Cambridge
Classification: Pathogenic for Retinitis pigmentosa. Last evaluated: 2015-01-01. Review status: no assertion criteria provided. Collection method: research. Allele origin: unknown. Affected: yes. Observed: 1 variant allele. Not counted in ClinVar's aggregate classification.

OMIM
Classification: Pathogenic for USHER SYNDROME, TYPE IIA. Last evaluated: 2004-04-01. Review status: no assertion criteria provided. Collection method: literature only. Allele origin: germline. Not counted in ClinVar's aggregate classification.

Clinical Genetics DNA and cytogenetics Diagnostics Lab, Erasmus MC, Erasmus Medical Center
Classification: Pathogenic. Review status: no assertion criteria provided. Collection method: clinical testing. Allele origin: germline. Affected: yes. Study: VKGL Data-share Consensus. Not counted in ClinVar's aggregate classification.

Joint Genome Diagnostic Labs from Nijmegen and Maastricht, Radboudumc and MUMC+
Classification: Pathogenic. Review status: no assertion criteria provided. Collection method: clinical testing. Allele origin: germline. Affected: yes. Study: VKGL Data-share Consensus. Not counted in ClinVar's aggregate classification.

Literature cited by the submitters: PubMed 10729113 (cited by Labcorp Genetics (formerly Invitae), Labcorp); PubMed 10909849 (cited by Labcorp Genetics (formerly Invitae), Labcorp); PubMed 20507924 (cited by Labcorp Genetics (formerly Invitae), Labcorp and Dasa); PubMed 25649381 (cited by Labcorp Genetics (formerly Invitae), Labcorp and Dasa); PubMed 22135276 (cited by 4 submitters); PubMed 25575603 (cited by 6 submitters); PubMed 29293505 (cited by 3 submitters); PubMed 31387071 (cited by Natera, Inc.); PubMed 15015129 (cited by 7 submitters); PubMed 27460420 (cited by 5 submitters); PubMed 31817543 (cited by Illumina Laboratory Services, Illumina and Institute of Human Genetics, Univ. Regensburg, Univ. Regensburg); PubMed 2564938 (cited by Illumina Laboratory Services, Illumina); PubMed 28944237 (cited by Women's Health and Genetics/Laboratory Corporation of America, LabCorp); PubMed 25262649 (cited by 4 submitters); PubMed 26927203 (cited by 5 submitters); PubMed 28984810 (cited by Institute of Human Genetics, Univ. Regensburg, Univ. Regensburg); PubMed 28559085 (cited by Institute of Human Genetics, Univ. Regensburg, Univ. Regensburg); PubMed 29986705 (cited by Institute of Human Genetics, Univ. Regensburg, Univ. Regensburg); PubMed 28945494 (cited by Institute of Human Genetics, Univ. Regensburg, Univ. Regensburg); PubMed 31589614 (cited by Institute of Human Genetics, Univ. Regensburg, Univ. Regensburg); PubMed 31054281 (cited by Institute of Human Genetics, Univ. Regensburg, Univ. Regensburg); PubMed 31370859 (cited by Institute of Human Genetics, Univ. Regensburg, Univ. Regensburg); PubMed 31266775 (cited by Institute of Human Genetics, Univ. Regensburg, Univ. Regensburg); PubMed 31964843 (cited by Institute of Human Genetics, Univ. Regensburg, Univ. Regensburg); PubMed 31429209 (cited by Institute of Human Genetics, Univ. Regensburg, Univ. Regensburg); PubMed 33105617 (cited by Institute of Human Genetics, Univ. Regensburg, Univ. Regensburg); PubMed 31456290 (cited by Institute of Human Genetics, Univ. Regensburg, Univ. Regensburg); PubMed 32581362 (cited by Institute of Human Genetics, Univ. Regensburg, Univ. Regensburg); PubMed 33089500 (cited by Institute of Human Genetics, Univ. Regensburg, Univ. Regensburg); PubMed 32531858 (cited by Institute of Human Genetics, Univ. Regensburg, Univ. Regensburg); PubMed 32037395 (cited by Institute of Human Genetics, Univ. Regensburg, Univ. Regensburg); PubMed 33576794 (cited by Institute of Human Genetics, Univ. Regensburg, Univ. Regensburg); PubMed 32188678 (cited by Institute of Human Genetics, Univ. Regensburg, Univ. Regensburg); PubMed 34426522 (cited by Institute of Human Genetics, Univ. Regensburg, Univ. Regensburg); PubMed 34948090 (cited by Institute of Human Genetics, Univ. Regensburg, Univ. Regensburg); PubMed 35052694 (cited by Institute of Human Genetics, Univ. Regensburg, Univ. Regensburg); PubMed 33737949 (cited by Institute of Human Genetics, Univ. Regensburg, Univ. Regensburg); PubMed 34781295 (cited by Institute of Human Genetics, Univ. Regensburg, Univ. Regensburg); PubMed 36011334 (cited by Institute of Human Genetics, Univ. Regensburg, Univ. Regensburg); PubMed 35266249 (cited by Institute of Human Genetics, Univ. Regensburg, Univ. Regensburg); PubMed 36460718 (cited by Institute of Human Genetics, Univ. Regensburg, Univ. Regensburg); PubMed 35836572 (cited by Institute of Human Genetics, Univ. Regensburg, Univ. Regensburg); PubMed 35452909 (cited by Institute of Human Genetics, Univ. Regensburg, Univ. Regensburg); PubMed 36819107 (cited by Institute of Human Genetics, Univ. Regensburg, Univ. Regensburg); PubMed 36785559 (cited by Institute of Human Genetics, Univ. Regensburg, Univ. Regensburg); PubMed 25333064 (cited by Dasa and Eurofins Ntd Llc (ga)); PubMed 21569298 (cited by Dasa and Eurofins Ntd Llc (ga)); PubMed 19683999 (cited by 3 submitters); PubMed 18641288 (cited by 3 submitters); PubMed 18463160 (cited by 3 submitters); PubMed 18273898 (cited by 3 submitters); PubMed 34906470 (cited by Broad Center for Mendelian Genomics, Broad Institute of MIT and Harvard); PubMed 16963483 (cited by Laboratory for Molecular Medicine, Mass General Brigham Personalized Medicine); PubMed 19881469 (cited by Eurofins Ntd Llc (ga)); PubMed 30718709 (cited by Department of Clinical Genetics, Copenhagen University Hospital, Rigshospitalet); PubMed 28041643 (cited by NIHR Bioresource Rare Diseases, University of Cambridge).